The following is an entry in ClinVar:

ClinVar aggregate classification (germline): Uncertain significance (1 of 4 stars; one submission).

Allele frequency attached by ClinVar (database versions not stated): gnomAD exomes below 0.00001; TOPMed below 0.00001; gnomAD 0.00001.
gnomAD v4.1: 5 of 1,613,982 alleles (0.00031%); highest among the groups gnomAD compares: Non-Finnish European, 0.00042%; no homozygotes.

Submission:

Labcorp Genetics (formerly Invitae), Labcorp
Classification: Uncertain significance. Last evaluated: 2023-08-27. Review status: criteria provided, single submitter. Criteria: Invitae Variant Classification Sherloc (09022015). Collection method: clinical testing. Allele origin: germline.
Comment: In summary, the available evidence is currently insufficient to determine the role of this variant in disease. Therefore, it has been classified as a Variant of Uncertain Significance. An algorithm developed to predict the effect of missense changes on protein structure and function (PolyPhen-2) suggests that this variant is likely to be tolerated. This variant has not been reported in the literature in individuals affected with TBX20-related conditions. This variant is not present in population databases (gnomAD no frequency). This sequence change replaces serine, which is neutral and polar, with proline, which is neutral and non-polar, at codon 405 of the TBX20 protein (p.Ser405Pro).

NM_001077653.2(TBX20):c.1213T>C (p.Ser405Pro)

Gene: TBX20 (T-box transcription factor 20; minus strand). Cytogenetic location: 7p14.2.
Variant type: single nucleotide variant.
Coding change: c.1213T>C on transcript NM_001077653.2 (MANE Select); coding-DNA position 1213, T replaced by C.
Protein change: p.Ser405Pro; replaces serine 405 with proline.
Molecular consequence: missense variant.
Genome position (GRCh38, 1-based): chr7:35,202,561, A>G on the plus strand (T>C on the coding strand, the complement: TBX20 is on the minus strand). VCF-style: chr7-35202561-A-G. GRCh37 (hg19) VCF-style: chr7-35242173-A-G.
Other names: short protein forms S405P.
Identifiers: ClinVar variation 2829188 (VCV002829188.3), dbSNP rs1288598681, ClinGen allele CA367262984.